The following is an entry in ClinVar:

ClinVar aggregate classification (germline): Likely pathogenic (1 of 4 stars; one submission).

Conditions:
Developmental and epileptic encephalopathy, 9 (DEE9). Also called: Early infantile epileptic encephalopathy 9; EPILEPSY, FEMALE-RESTRICTED, WITH MENTAL RETARDATION; JUBERG-HELLMAN SYNDROME; PCDH19-Related X-Linked Female-Limited Epilepsy with Mental Retardation. Identifiers: Orphanet 101039, Orphanet 2076, MedGen C1848137, MONDO:0010246, OMIM 300088. Disease mechanism: loss of function.

Submission:

Labcorp Genetics (formerly Invitae), Labcorp
Classification: Likely pathogenic for Developmental and epileptic encephalopathy, 9. Last evaluated: 2025-07-27. Review status: criteria provided, single submitter. Criteria: Invitae Variant Classification Sherloc (09022015). Collection method: clinical testing. Allele origin: germline.
Comment: This sequence change replaces proline, which is neutral and non-polar, with serine, which is neutral and polar, at codon 344 of the PCDH19 protein (p.Pro344Ser). This variant is not present in population databases (gnomAD no frequency). This variant has not been reported in the literature in individuals affected with PCDH19-related conditions. Invitae Evidence Modeling of protein sequence and biophysical properties (such as structural, functional, and spatial information, amino acid conservation, physicochemical variation, residue mobility, and thermodynamic stability) indicates that this missense variant is expected to disrupt PCDH19 protein function with a positive predictive value of 95%. This variant disrupts the p.Pro344 amino acid residue in PCDH19. Other variant(s) that disrupt this residue have been determined to be pathogenic (PMID: 27179713; internal data). This suggests that this residue is clinically significant, and that variants that disrupt this residue are likely to be disease-causing. In summary, the currently available evidence indicates that the variant is pathogenic, but additional data are needed to prove that conclusively. Therefore, this variant has been classified as Likely Pathogenic.

Literature cited by the submitters: PubMed 27179713.

NM_001184880.2(PCDH19):c.1030C>T (p.Pro344Ser)

Gene: PCDH19 (protocadherin 19; minus strand). Cytogenetic location: Xq22.1.
Variant type: single nucleotide variant.
Coding change: c.1030C>T on transcript NM_001184880.2 (MANE Select); coding-DNA position 1030, C replaced by T.
Protein change: p.Pro344Ser; replaces proline 344 with serine.
Molecular consequence: missense variant.
Genome position (GRCh38, 1-based): chrX:100,407,568, G>A on the plus strand (C>T on the coding strand, the complement: PCDH19 is on the minus strand). VCF-style: chrX-100407568-G-A. GRCh37 (hg19) VCF-style: chrX-99662566-G-A.
Other names: c.1030C>T, p.Pro344Ser (NM_001105243.2, NM_020766.3); short protein forms P344S.
Identifiers: ClinVar variation 4802172 (VCV004802172.1).